The following is an entry in ClinVar:

ClinVar aggregate classification (germline): Benign/Likely benign. Review status: criteria provided, multiple submitters, no conflicts (2 of 4 stars). 2 submissions from 2 submitters: Benign (1); Likely benign (1). Last evaluated 2023-03-01.

Allele frequency attached by ClinVar (database versions not stated): 1000 Genomes Project 0.00200; 1000 Genomes Project 30x 0.00250; gnomAD 0.00299 and 0.00303; gnomAD exomes 0.00300 and 0.00382; ExAC 0.00314; TOPMed 0.00322; ESP Exome Variant Server 0.00338.
gnomAD v4.1: 6,030 of 1,613,970 alleles (0.37%); highest among the groups gnomAD compares: Middle Eastern, 0.89%; 20 homozygotes.

Submissions (2):

CeGaT Center for Human Genetics Tuebingen
Classification: Likely benign. Last evaluated: 2023-03-01. Review status: criteria provided, single submitter. Criteria: CeGaT Center For Human Genetics Tuebingen Variant Classification Criteria Version 2. Collection method: clinical testing. Allele origin: germline. Affected: yes. Observed: 3 variant alleles.
Comment: RPS6KA2: BP4, BP7, BS2

Labcorp Genetics (formerly Invitae), Labcorp
Classification: Benign. Last evaluated: 2018-07-13. Review status: criteria provided, single submitter. Criteria: Invitae Variant Classification Sherloc (09022015). Collection method: clinical testing. Allele origin: germline.

NM_021135.6(RPS6KA2):c.1695C>T (p.Asn565=)

Gene: RPS6KA2 (ribosomal protein S6 kinase A2; minus strand). Cytogenetic location: 6q27.
Variant type: single nucleotide variant.
Coding change: c.1695C>T on transcript NM_021135.6 (MANE Select); coding-DNA position 1695, C replaced by T.
Protein change: p.Asn565=; no amino-acid change (asparagine 565 retained).
Molecular consequence: synonymous variant.
Genome position (GRCh38, 1-based): chr6:166,423,304, G>A on the plus strand (C>T on the coding strand, the complement: RPS6KA2 is on the minus strand). VCF-style: chr6-166423304-G-A. GRCh37 (hg19) VCF-style: chr6-166836792-G-A.
Other names: c.1719C>T, p.Asn573= (NM_001006932.3); c.1770C>T, p.Asn590= (NM_001318936.2); c.1401C>T, p.Asn467= (NM_001318937.2); c.1428C>T, p.Asn476= (NM_001318938.1).
Identifiers: ClinVar variation 770932 (VCV000770932.27), dbSNP rs147557165, ClinGen allele CA4093957.